The following is an entry in ClinVar:

NM_001077653.2(TBX20):c.381-3C>G

Gene: TBX20 (T-box transcription factor 20; minus strand). Cytogenetic location: 7p14.2.
Variant type: single nucleotide variant.
Coding change: c.381-3C>G on transcript NM_001077653.2 (MANE Select); 3 bases into the intron before coding-DNA position 381, C replaced by G.
Molecular consequence: intron variant.
Genome position (GRCh38, 1-based): chr7:35,248,844, G>C on the plus strand (C>G on the coding strand, the complement: TBX20 is on the minus strand). VCF-style: chr7-35248844-G-C. GRCh37 (hg19) VCF-style: chr7-35288456-G-C.
Other names: c.381-3C>G (NM_001166220.1).
Identifiers: ClinVar variation 1370795 (VCV001370795.6), dbSNP rs2128715971, ClinGen allele CA2573142084.

ClinVar aggregate classification (germline): Uncertain significance (1 of 4 stars; one submission).

Submission:

Labcorp Genetics (formerly Invitae), Labcorp
Classification: Uncertain significance. Last evaluated: 2022-10-13. Review status: criteria provided, single submitter. Criteria: Invitae Variant Classification Sherloc (09022015). Collection method: clinical testing. Allele origin: germline.
Comment: This variant is not present in population databases (gnomAD no frequency). In summary, the available evidence is currently insufficient to determine the role of this variant in disease. Therefore, it has been classified as a Variant of Uncertain Significance. Variants that disrupt the consensus splice site are a relatively common cause of aberrant splicing (PMID: 17576681, 9536098). Algorithms developed to predict the effect of sequence changes on RNA splicing suggest that this variant may disrupt the consensus splice site. ClinVar contains an entry for this variant (Variation ID: 1370795). This variant has not been reported in the literature in individuals affected with TBX20-related conditions. This sequence change falls in intron 2 of the TBX20 gene. It does not directly change the encoded amino acid sequence of the TBX20 protein. It affects a nucleotide within the consensus splice site.

Literature cited by the submitters: PubMed 17576681; PubMed 9536098.